The following is an entry in ClinVar:

ClinVar aggregate classification (germline): Uncertain significance. Review status: criteria provided, multiple submitters, no conflicts (2 of 4 stars). 2 submissions from 2 submitters: Uncertain significance (2). Last evaluated 2023-10-04.

Conditions:
Heterotopia, periventricular, X-linked dominant (PVNH1). Also called: PERIVENTRICULAR NODULAR HETEROTOPIA 1; X-linked periventricular heterotopia; PERIVENTRICULAR NODULAR HETEROTOPIA 4; HETEROTOPIA, PERIVENTRICULAR, 1. Identifiers: Orphanet 2149, Orphanet 82004, MedGen C1848213, MONDO:0010233, OMIM 300049.
Oto-palato-digital syndrome, type II (OPD2). Also called: OPD II SYNDROME; Otopalatodigital Syndrome, Type II; Otopalatodigital Syndrome Type 2 (FLNA-OPD2); FACIOPALATOOSSEOUS SYNDROME. Identifiers: Orphanet 669, Orphanet 90652, MedGen C1844696, MONDO:0010571, OMIM 304120.
Melnick-Needles syndrome (MNS). Also called: MELNICK-NEEDLES OSTEODYSPLASTY; OSTEODYSPLASTY OF MELNICK AND NEEDLES; Melnick-Needles Syndrome (FLNA-MNS). Identifiers: Orphanet 2484, MedGen C0025237, MONDO:0010650, OMIM 309350.
Frontometaphyseal dysplasia (FMD1). Identifiers: Orphanet 1826, MedGen C0265293, MONDO:0015942.

Allele frequency attached by ClinVar (database versions not stated): TOPMed below 0.00001; gnomAD exomes 0.00001.
gnomAD v4.1: 6 of 1,211,292 alleles (0.0005%); highest among the groups gnomAD compares: Non-Finnish European, 0.00067%; no homozygotes.

Submissions (2):

Labcorp Genetics (formerly Invitae), Labcorp
Classification: Uncertain significance for Oto-palato-digital syndrome, type II; Heterotopia, periventricular, X-linked dominant; Frontometaphyseal dysplasia; Melnick-Needles syndrome. Last evaluated: 2023-10-04. Review status: criteria provided, single submitter. Criteria: Invitae Variant Classification Sherloc (09022015). Collection method: clinical testing. Allele origin: germline.
Comment: This sequence change replaces valine, which is neutral and non-polar, with isoleucine, which is neutral and non-polar, at codon 1412 of the FLNA protein (p.Val1412Ile). This variant is not present in population databases (gnomAD no frequency). This variant has not been reported in the literature in individuals affected with FLNA-related conditions. ClinVar contains an entry for this variant (Variation ID: 1326176). Advanced modeling of protein sequence and biophysical properties (such as structural, functional, and spatial information, amino acid conservation, physicochemical variation, residue mobility, and thermodynamic stability) performed at Invitae indicates that this missense variant is not expected to disrupt FLNA protein function. In summary, the available evidence is currently insufficient to determine the role of this variant in disease. Therefore, it has been classified as a Variant of Uncertain Significance.

GeneDx
Classification: Uncertain significance. Last evaluated: 2021-07-19. Review status: criteria provided, single submitter. Criteria: GeneDx Variant Classification Process June 2021. Collection method: clinical testing. Allele origin: germline. Affected: yes.
Comment: Has not been previously published as pathogenic or benign to our knowledge; Not observed at significant frequency in large population cohorts (Lek et al., 2016); In silico analysis supports that this missense variant does not alter protein structure/function; This variant is associated with the following publications: (PMID: 27535533)

NM_001110556.2(FLNA):c.4234G>A (p.Val1412Ile)

Gene: FLNA (filamin A; minus strand). Cytogenetic location: Xq28.
Variant type: single nucleotide variant.
Coding change: c.4234G>A on transcript NM_001110556.2 (MANE Select); coding-DNA position 4234, G replaced by A.
Protein change: p.Val1412Ile; replaces valine 1412 with isoleucine.
Molecular consequence: missense variant.
Genome position (GRCh38, 1-based): chrX:154,359,315, C>T on the plus strand (G>A on the coding strand, the complement: FLNA is on the minus strand). VCF-style: chrX-154359315-C-T. GRCh37 (hg19) VCF-style: chrX-153587683-C-T.
Other names: c.4234G>A, p.Val1412Ile (NM_001456.4); short protein forms V1412I.
Identifiers: ClinVar variation 1326176 (VCV001326176.9), dbSNP rs2067686225, ClinGen allele CA415218225.